The following is an entry in ClinVar:

NM_021076.4(NEFH):c.1339G>A (p.Val447Met)

Gene: NEFH (neurofilament heavy chain; plus strand). Cytogenetic location: 22q12.2.
Variant type: single nucleotide variant.
Coding change: c.1339G>A on transcript NM_021076.4 (MANE Select); coding-DNA position 1339, G replaced by A.
Protein change: p.Val447Met; replaces valine 447 with methionine.
Molecular consequence: missense variant.
Genome position (GRCh38, 1-based): chr22:29,488,979, G>A. VCF-style: chr22-29488979-G-A. GRCh37 (hg19) VCF-style: chr22-29884968-G-A.
Other names: short protein forms V447M.
Identifiers: ClinVar variation 2875730 (VCV002875730.3), dbSNP rs1174346144, ClinGen allele CA411129328.

ClinVar aggregate classification (germline): Uncertain significance (1 of 4 stars; one submission).

Allele frequency attached by ClinVar (database versions not stated): TOPMed below 0.00001; gnomAD 0.00001; gnomAD exomes 0.00001.

Submission:

Labcorp Genetics (formerly Invitae), Labcorp
Classification: Uncertain significance. Last evaluated: 2023-07-22. Review status: criteria provided, single submitter. Criteria: Invitae Variant Classification Sherloc (09022015). Collection method: clinical testing. Allele origin: germline.
Comment: Advanced modeling of protein sequence and biophysical properties (such as structural, functional, and spatial information, amino acid conservation, physicochemical variation, residue mobility, and thermodynamic stability) performed at Invitae indicates that this missense variant is not expected to disrupt NEFH protein function. In summary, the available evidence is currently insufficient to determine the role of this variant in disease. Therefore, it has been classified as a Variant of Uncertain Significance. This sequence change replaces valine, which is neutral and non-polar, with methionine, which is neutral and non-polar, at codon 447 of the NEFH protein (p.Val447Met). This variant is not present in population databases (gnomAD no frequency). This variant has not been reported in the literature in individuals affected with NEFH-related conditions.